The following is an entry in ClinVar:

NM_020338.4(ZMIZ1):c.206T>C (p.Phe69Ser)

Gene: ZMIZ1 (zinc finger MIZ-type containing 1; plus strand). Cytogenetic location: 10q22.3.
Variant type: single nucleotide variant.
Coding change: c.206T>C on transcript NM_020338.4 (MANE Select); coding-DNA position 206, T replaced by C.
Protein change: p.Phe69Ser; replaces phenylalanine 69 with serine.
Molecular consequence: missense variant.
Genome position (GRCh38, 1-based): chr10:79,216,200, T>C. VCF-style: chr10-79216200-T-C. GRCh37 (hg19) VCF-style: chr10-80975957-T-C.
Other names: short protein forms F69S.
Identifiers: ClinVar variation 2580455 (VCV002580455.1), dbSNP rs2493410539, ClinGen allele CA377413488.

ClinVar aggregate classification (germline): Uncertain significance (1 of 4 stars; one submission).

Submission:

GeneDx
Classification: Uncertain significance. Last evaluated: 2023-03-19. Review status: criteria provided, single submitter. Criteria: GeneDx Variant Classification Process June 2021. Collection method: clinical testing. Allele origin: germline. Affected: yes.
Comment: Not observed at significant frequency in large population cohorts (gnomAD); In silico analysis supports that this missense variant does not alter protein structure/function; Has not been previously published as pathogenic or benign to our knowledge